The following is an entry in ClinVar:

NM_001378452.1(ITPR1):c.7960G>A (p.Val2654Ile)

Gene: ITPR1 (inositol 1,4,5-trisphosphate receptor type 1; plus strand). Cytogenetic location: 3p26.1.
Variant type: single nucleotide variant.
Coding change: c.7960G>A on transcript NM_001378452.1 (MANE Select); coding-DNA position 7960, G replaced by A.
Protein change: p.Val2654Ile; replaces valine 2654 with isoleucine.
Molecular consequence: missense variant.
Genome position (GRCh38, 1-based): chr3:4,818,174, G>A. VCF-style: chr3-4818174-G-A. GRCh37 (hg19) VCF-style: chr3-4859858-G-A.
Other names: c.7816G>A, p.Val2606Ile (NM_001099952.4); c.7915G>A, p.Val2639Ile (NM_001168272.2); c.7771G>A, p.Val2591Ile (NM_002222.7); short protein forms V2654I, V2606I, V2591I, V2639I.
Identifiers: ClinVar variation 2970470 (VCV002970470.7), dbSNP rs568805900, ClinGen allele CA2233015.
Genomic context (GRCh38, chr3:4,818,174, plus strand): 5'-GTCACCTTTGAAGAGCACATCAAGGAAGAACACAACATGTGGCACTATCTGTGCTTCATC[G>A]TCCTGGTGAAAGTAAAGGACTCCACCGAATATACTGGGCCTGAGAGTTACGTGGCAGAAA-3'
Protein context (NP_001365381.1, residues 2644-2664): HNMWHYLCFI[Val2654Ile]LVKVKDSTEY

ClinVar aggregate classification (germline): Uncertain significance. Review status: criteria provided, multiple submitters, no conflicts (2 of 4 stars). 2 submissions from 2 submitters: Uncertain significance (2). Last evaluated 2026-02-01.

Allele frequency attached by ClinVar (database versions not stated): gnomAD 0.00002; TOPMed 0.00002; ExAC 0.00003.
gnomAD v4.1: 53 of 1,604,706 alleles (0.0033%); highest among the groups gnomAD compares: South Asian, 0.0044%; no homozygotes.

Submissions (2):

CeGaT Center for Human Genetics Tuebingen
Classification: Uncertain significance. Last evaluated: 2026-02-01. Review status: criteria provided, single submitter. Criteria: CeGaT Center For Human Genetics Tuebingen Variant Classification Criteria Version 2. Collection method: clinical testing. Allele origin: germline. Affected: yes. Observed: 1 variant allele.
Comment: ITPR1: PP2

Labcorp Genetics (formerly Invitae), Labcorp
Classification: Uncertain significance. Last evaluated: 2025-03-19. Review status: criteria provided, single submitter. Criteria: Invitae Variant Classification Sherloc (09022015). Collection method: clinical testing. Allele origin: germline.
Comment: This sequence change replaces valine, which is neutral and non-polar, with isoleucine, which is neutral and non-polar, at codon 2591 of the ITPR1 protein (p.Val2591Ile). This variant is present in population databases (rs568805900, gnomAD 0.01%), including at least one homozygous and/or hemizygous individual. This variant has not been reported in the literature in individuals affected with ITPR1-related conditions. ClinVar contains an entry for this variant (Variation ID: 2970470). Invitae Evidence Modeling of protein sequence and biophysical properties (such as structural, functional, and spatial information, amino acid conservation, physicochemical variation, residue mobility, and thermodynamic stability) indicates that this missense variant is not expected to disrupt ITPR1 protein function with a negative predictive value of 80%. In summary, the available evidence is currently insufficient to determine the role of this variant in disease. Therefore, it has been classified as a Variant of Uncertain Significance.